The following is an entry in ClinVar:

ClinVar aggregate classification (germline): Pathogenic. Review status: criteria provided, multiple submitters, no conflicts (2 of 4 stars). 9 submissions from 9 submitters: Pathogenic (9). Last evaluated 2025-12-15.

Conditions:
Inborn genetic diseases. Identifiers: MedGen C0950123, MeSH D030342.
Episodic ataxia type 2 (EA2). Also called: ACETAZOLAMIDE-RESPONSIVE HEREDITARY PAROXYSMAL CEREBELLAR ATAXIA; CEREBELLAR ATAXIA, PAROXYSMAL, ACETAZOLAMIDE-RESPONSIVE; CEREBELLOPATHY, HEREDITARY PAROXYSMAL; EPISODIC ATAXIA, NYSTAGMUS-ASSOCIATED; ATAXIA, EPISODIC, WITH NYSTAGMUS; ATAXIA, FAMILIAL PAROXYSMAL. Identifiers: Orphanet 97, MedGen C1720416, MONDO:0007163, OMIM 108500.
Developmental and epileptic encephalopathy, 42 (DEE42A). Also called: DEVELOPMENTAL AND EPILEPTIC ENCEPHALOPATHY 42A; EPILEPTIC ENCEPHALOPATHY, EARLY INFANTILE, 42A; Epileptic encephalopathy, early infantile, 42. Identifiers: MedGen C4310716, MONDO:0014917, OMIM 617106.

Allele frequency attached by ClinVar (database versions not stated): gnomAD exomes below 0.00001.
gnomAD v4.1: 1 of 1,613,504 alleles (0.000062%); highest among the groups gnomAD compares: Non-Finnish European, 0.000085%; no homozygotes.

Submissions (9):

3billion
Classification: Pathogenic for Episodic ataxia type 2. Last evaluated: 2025-12-15. Review status: criteria provided, single submitter. Criteria: ACMG Guidelines, 2015. Collection method: clinical testing. Allele origin: germline. Affected: yes.
Comment: The variant is observed at an extremely low frequency in the gnomAD v4.1.0 dataset (total allele frequency: <0.001%). Predicted Consequence/Location: Stop-gained (nonsense): predicted to result in a loss or disruption of normal protein function through nonsense-mediated decay (NMD) or protein truncation. Multiple pathogenic variants are reported downstream of the variant. The variant has been reported at least twice as pathogenic with clinical assertions and evidence for the classification (ClinVar ID: VCV000585212 /PMID: 29713557). Therefore, this variant is classified as Pathogenic according to the recommendation of ACMG/AMP guideline.

Labcorp Genetics (formerly Invitae), Labcorp
Classification: Pathogenic for Developmental and epileptic encephalopathy, 42; Episodic ataxia type 2. Last evaluated: 2025-11-15. Review status: criteria provided, single submitter. Criteria: Invitae Variant Classification Sherloc (09022015). Collection method: clinical testing. Allele origin: germline.
Comment: This sequence change creates a premature translational stop signal (p.Arg1352*) in the CACNA1A gene. It is expected to result in an absent or disrupted protein product. Loss-of-function variants in CACNA1A are known to be pathogenic (PMID: 10371528, 19486177, 25735478, 27250579). This variant is not present in population databases (gnomAD no frequency). This premature translational stop signal has been observed in individual(s) with episodic ataxia type 2 (PMID: 29713557). ClinVar contains an entry for this variant (Variation ID: 585212). For these reasons, this variant has been classified as Pathogenic.

Women's Health and Genetics/Laboratory Corporation of America, LabCorp
Classification: Pathogenic for Developmental and epileptic encephalopathy, 42. Last evaluated: 2023-12-01. Review status: criteria provided, single submitter. Criteria: LabCorp Variant Classification Summary - May 2015. Collection method: clinical testing. Allele origin: germline.
Comment: Variant summary: CACNA1A c.4054C>T (p.Arg1352X) results in a premature termination codon, predicted to cause absence of the protein due to nonsense mediated decay, which is a commonly known mechanism for disease. The variant was absent in 248976 control chromosomes (gnomAD). c.4054C>T has been reported in the literature in individuals affected with Epileptic Encephalopathy or Episodic Ataxia (Kothur_2018, Lance_2018). The following publications have been ascertained in the context of this evaluation (PMID: 29713557, 29852413). Five submitters have cited clinical-significance assessments for this variant to ClinVar after 2014. All submitters classified the variant as pathogenic. Based on the evidence outlined above, the variant was classified as pathogenic.

GeneDx
Classification: Pathogenic. Last evaluated: 2023-11-13. Review status: criteria provided, single submitter. Criteria: GeneDx Variant Classification Process June 2021. Collection method: clinical testing. Allele origin: germline.
Comment: Identified in patients with features of CACNA1A-related neurodevelopmental and movement disorder referred for genetic testing at GeneDx and the literature (PMID: 29713557); Nonsense variant predicted to result in protein truncation or nonsense mediated decay in a gene for which loss of function is a known mechanism of disease; Not observed at significant frequency in large population cohorts (gnomAD); This variant is associated with the following publications: (PMID: 29713557, 31447099)

Athena Diagnostics
Classification: Pathogenic. Last evaluated: 2023-07-27. Review status: criteria provided, single submitter. Criteria: Athena Diagnostics Criteria. Collection method: clinical testing. Allele origin: unknown.
Comment: This variant is expected to result in the loss of a functional protein. This variant has been identified in at least one individual with episodic ataxia. This variant has not been reported in large, multi-ethnic general populations.

Revvity Omics, Revvity
Classification: Pathogenic. Last evaluated: 2020-12-07. Review status: criteria provided, single submitter. Criteria: ACMG Guidelines, 2015. Collection method: clinical testing. Allele origin: germline.

Mendelics
Classification: Pathogenic for Episodic ataxia type 2. Last evaluated: 2019-05-28. Review status: criteria provided, single submitter. Criteria: Mendelics Assertion Criteria 2017. Collection method: clinical testing. Allele origin: unknown.

Ambry Genetics
Classification: Pathogenic for Inborn genetic diseases. Last evaluated: 2017-06-19. Review status: criteria provided, single submitter. Criteria: Ambry Variant Classification Scheme 2023. Collection method: clinical testing. Allele origin: germline.
Comment: The p.R1352* pathogenic mutation (also known as c.4054C>T), located in coding exon 25 of the CACNA1A gene, results from a C to T substitution at nucleotide position 4054. This changes the amino acid from an arginine to a stop codon within coding exon 25. This alteration is expected to result in loss of function by premature protein truncation or nonsense-mediated mRNA decay. As such, this alteration is interpreted as a disease-causing mutation.

Human Genome Sequencing Center Clinical Lab, Baylor College of Medicine
Classification: Pathogenic for Episodic ataxia type 2. Last evaluated: 2017-04-03. Review status: criteria provided, single submitter. Criteria: ACMG Guidelines, 2015. Collection method: clinical testing. Allele origin: germline.
Comment: This c.4054C>T (p.Arg1352*) variant has not previously been reported in public databases, nor has been observed in our patient cohort. This variant is predicted to create a premature stop codon at amino acid 1352. Loss of function variants in the CACNA1A gene have been reported in patients with episodic ataxia. It is thus classified as a pathogenic variant. The eMERGE clinical annotation workgroup also considers pathogenic variant in the CACNA1A gene to be medically actionable.

Literature cited by the submitters: PubMed 29713557 (cited by 4 submitters); PubMed 10371528 (cited by Labcorp Genetics (formerly Invitae), Labcorp); PubMed 19486177 (cited by Labcorp Genetics (formerly Invitae), Labcorp); PubMed 25735478 (cited by Labcorp Genetics (formerly Invitae), Labcorp); PubMed 27250579 (cited by Labcorp Genetics (formerly Invitae), Labcorp); PubMed 29852413 (cited by Women's Health and Genetics/Laboratory Corporation of America, LabCorp); PubMed 31447099 (cited by Athena Diagnostics).

NM_001127222.2(CACNA1A):c.4051C>T (p.Arg1351Ter)

Gene: CACNA1A (calcium voltage-gated channel subunit alpha1 A; minus strand). Cytogenetic location: 19p13.13.
Variant type: single nucleotide variant.
Coding change: c.4051C>T on transcript NM_001127222.2 (MANE Select); coding-DNA position 4051, C replaced by T.
Protein change: p.Arg1351Ter; replaces arginine 1351 with a stop codon.
Molecular consequence: nonsense.
Genome position (GRCh38, 1-based): chr19:13,262,772, G>A on the plus strand (C>T on the coding strand, the complement: CACNA1A is on the minus strand). VCF-style: chr19-13262772-G-A. GRCh37 (hg19) VCF-style: chr19-13373586-G-A.
Other names: c.4054C>T (NM_000068.2); c.4063C>T, p.Arg1355Ter (NM_000068.4, NM_023035.3); c.4054C>T, p.Arg1352Ter (NM_001127221.2, NM_001174080.2); short protein forms R1352*, R1355*, R1351*.
Identifiers: ClinVar variation 585212 (VCV000585212.14), dbSNP rs1568473171, ClinGen allele CA404339987.